The following is an entry in ClinVar:

NM_001365951.3(KIF1B):c.2584A>G (p.Met862Val)

Gene: KIF1B (kinesin family member 1B; plus strand). Cytogenetic location: 1p36.22.
Variant type: single nucleotide variant.
Coding change: c.2584A>G on transcript NM_001365951.3 (MANE Select); coding-DNA position 2584, A replaced by G.
Protein change: p.Met862Val; replaces methionine 862 with valine.
Molecular consequence: missense variant.
Genome position (GRCh38, 1-based): chr1:10,324,804, A>G. VCF-style: chr1-10324804-A-G. GRCh37 (hg19) VCF-style: chr1-10384862-A-G.
Other names: c.2584A>G, p.Met862Val (NM_001365952.1); c.2446A>G, p.Met816Val (NM_015074.3); short protein forms M816V, M862V.
Identifiers: ClinVar variation 1503012 (VCV001503012.10), dbSNP rs1345626148, ClinGen allele CA338335568.

ClinVar aggregate classification (germline): Uncertain significance. Review status: criteria provided, multiple submitters, no conflicts (2 of 4 stars). 2 submissions from 2 submitters: Uncertain significance (2). Last evaluated 2025-09-29.

Conditions:
Charcot-Marie-Tooth disease type 2. Also called: Charcot-Marie-Tooth type 2. Identifiers: Orphanet 64746, MedGen C0270914, MONDO:0018993.

gnomAD v4.1: 1 of 1,613,950 alleles (0.000062%); highest among the groups gnomAD compares: African/African-American, 0.0013%; no homozygotes.

Submissions (2):

Ambry Genetics
Classification: Uncertain significance. Last evaluated: 2025-09-29. Review status: criteria provided, single submitter. Criteria: Ambry Variant Classification Scheme 2023. Collection method: clinical testing. Allele origin: germline.
Comment: The p.M816V variant (also known as c.2446A>G), located in coding exon 23 of the KIF1B gene, results from an A to G substitution at nucleotide position 2446. The methionine at codon 816 is replaced by valine, an amino acid with highly similar properties. This amino acid position is conserved. In addition, this alteration is predicted to be tolerated by in silico analysis. Since supporting evidence is limited at this time, the clinical significance of this alteration remains unclear.

Labcorp Genetics (formerly Invitae), Labcorp
Classification: Uncertain significance for Charcot-Marie-Tooth disease type 2. Last evaluated: 2020-11-24. Review status: criteria provided, single submitter. Criteria: Invitae Variant Classification Sherloc (09022015). Collection method: clinical testing. Allele origin: germline.
Comment: In summary, the available evidence is currently insufficient to determine the role of this variant in disease. Therefore, it has been classified as a Variant of Uncertain Significance. Algorithms developed to predict the effect of sequence changes on RNA splicing suggest that this variant may create or strengthen a splice site, but this prediction has not been confirmed by published transcriptional studies. Algorithms developed to predict the effect of missense changes on protein structure and function output the following: SIFT: "Tolerated"; PolyPhen-2: "Benign"; Align-GVGD: "Class C0". The valine amino acid residue is found in multiple mammalian species, suggesting that this missense change does not adversely affect protein function. These predictions have not been confirmed by published functional studies and their clinical significance is uncertain. This variant has not been reported in the literature in individuals with KIF1B-related conditions. This variant is not present in population databases (ExAC no frequency). This sequence change replaces methionine with valine at codon 816 of the KIF1B protein (p.Met816Val). The methionine residue is moderately conserved and there is a small physicochemical difference between methionine and valine.